The following is an entry in ClinVar:

ClinVar aggregate classification (germline): Conflicting classifications of pathogenicity. Review status: criteria provided, conflicting classifications (1 of 4 stars). 2 submissions from 2 submitters: Likely pathogenic (1); Uncertain significance (1). Last evaluated 2024-03-06.

Conditions:
Intellectual disability. Also called: intellectual disabilities; Intellectual functioning disability; Intellectual developmental disorder. Identifiers: MedGen C3714756, MeSH D008607, MONDO:0001071, HP:0001249.
Seizure. Also called: Seizures. Identifiers: MedGen C0036572, HP:0001250.
Early-infantile DEE. Also called: Early infantile epileptic encephalopathy; Early infantile epileptic encephalopathy with suppression bursts; Ohtahara syndrome. Identifiers: Orphanet 1934, MedGen C0393706, MONDO:0800491.

Submissions (2):

Labcorp Genetics (formerly Invitae), Labcorp
Classification: Uncertain significance for Early-infantile DEE. Last evaluated: 2024-03-06. Review status: criteria provided, single submitter. Criteria: Invitae Variant Classification Sherloc (09022015). Collection method: clinical testing. Allele origin: germline.
Comment: This sequence change replaces alanine, which is neutral and non-polar, with proline, which is neutral and non-polar, at codon 420 of the SCN8A protein (p.Ala420Pro). This variant is not present in population databases (gnomAD no frequency). This variant has not been reported in the literature in individuals affected with SCN8A-related conditions. ClinVar contains an entry for this variant (Variation ID: 691260). Advanced modeling of protein sequence and biophysical properties (such as structural, functional, and spatial information, amino acid conservation, physicochemical variation, residue mobility, and thermodynamic stability) performed at Invitae indicates that this missense variant is expected to disrupt SCN8A protein function with a positive predictive value of 95%. In summary, the available evidence is currently insufficient to determine the role of this variant in disease. Therefore, it has been classified as a Variant of Uncertain Significance.

Department of Genetics, Rouen University Hospital, Normandy Center for Genomic and Personalized Medicine
Classification: Likely pathogenic for Intellectual disability; Seizure. Last evaluated: 2017-09-27. Review status: criteria provided, single submitter. Criteria: ACMG Guidelines, 2015. Collection method: clinical testing. Allele origin: de novo. Affected: yes.

NM_001330260.2(SCN8A):c.1258G>C (p.Ala420Pro)

Gene: SCN8A (sodium voltage-gated channel alpha subunit 8; plus strand). Cytogenetic location: 12q13.13.
Variant type: single nucleotide variant.
Coding change: c.1258G>C on transcript NM_001330260.2 (MANE Select); coding-DNA position 1258, G replaced by C.
Protein change: p.Ala420Pro; replaces alanine 420 with proline.
Molecular consequence: missense variant.
Genome position (GRCh38, 1-based): chr12:51,705,540, G>C. VCF-style: chr12-51705540-G-C. GRCh37 (hg19) VCF-style: chr12-52099324-G-C.
Other names: c.1258G>C, p.Ala420Pro (NM_001177984.3, NM_001369788.1, NM_014191.4); short protein forms A420P.
Identifiers: ClinVar variation 691260 (VCV000691260.3), dbSNP rs1592392873, ClinGen allele CA385228163.